The following is an entry in ClinVar:

ClinVar aggregate classification (germline): Uncertain significance. Review status: criteria provided, multiple submitters, no conflicts (2 of 4 stars). 2 submissions from 2 submitters: Uncertain significance (2). Last evaluated 2025-09-04.

Conditions:
Ataxia-telangiectasia syndrome (AT). Also called: Ataxia telangiectasia (A-T); Ataxia-telangiectasia, complementation group E; LOUIS-BAR SYNDROME; Cerebello-oculocutaneous telangiectasia; Immunodeficiency with ataxia telangiectasia; Ataxia-telangiectasia, complementation group D. Identifiers: Orphanet 100, MedGen C0004135, MONDO:0008840, OMIM 208900.
Hereditary cancer-predisposing syndrome. Also called: Hereditary Cancer Syndrome; Neoplastic Syndromes, Hereditary; Tumor predisposition; Hereditary neoplastic syndrome. Identifiers: Orphanet 140162, MedGen C0027672, MeSH D009386, MONDO:0015356.

Submissions (2):

Labcorp Genetics (formerly Invitae), Labcorp
Classification: Uncertain significance for Ataxia-telangiectasia syndrome. Last evaluated: 2025-09-04. Review status: criteria provided, single submitter. Criteria: Invitae Variant Classification Sherloc (09022015). Collection method: clinical testing. Allele origin: germline.
Comment: This sequence change replaces asparagine, which is neutral and polar, with serine, which is neutral and polar, at codon 230 of the ATM protein (p.Asn230Ser). This variant is not present in population databases (gnomAD no frequency). This variant has not been reported in the literature in individuals affected with ATM-related conditions. ClinVar contains an entry for this variant (Variation ID: 232014). Invitae Evidence Modeling of protein sequence and biophysical properties (such as structural, functional, and spatial information, amino acid conservation, physicochemical variation, residue mobility, and thermodynamic stability) indicates that this missense variant is not expected to disrupt ATM protein function with a negative predictive value of 95%. In summary, the available evidence is currently insufficient to determine the role of this variant in disease. Therefore, it has been classified as a Variant of Uncertain Significance.

Ambry Genetics
Classification: Uncertain significance for Hereditary cancer-predisposing syndrome. Last evaluated: 2025-04-05. Review status: criteria provided, single submitter. Criteria: Ambry Variant Classification Scheme 2023. Collection method: clinical testing. Allele origin: germline.
Comment: The p.N230S variant (also known as c.689A>G), located in coding exon 6 of the ATM gene, results from an A to G substitution at nucleotide position 689. The asparagine at codon 230 is replaced by serine, an amino acid with highly similar properties. This amino acid position is not well conserved in available vertebrate species. In addition, this alteration is predicted to be tolerated by in silico analysis. Since supporting evidence is limited at this time, the clinical significance of this alteration remains unclear.

NM_000051.4(ATM):c.689A>G (p.Asn230Ser)

Gene: ATM (ATM serine/threonine kinase; plus strand). Cytogenetic location: 11q22.3.
Variant type: single nucleotide variant.
Coding change: c.689A>G on transcript NM_000051.4 (MANE Select); coding-DNA position 689, A replaced by G.
Protein change: p.Asn230Ser; replaces asparagine 230 with serine.
Molecular consequence: missense variant.
Genome position (GRCh38, 1-based): chr11:108,244,814, A>G. VCF-style: chr11-108244814-A-G. GRCh37 (hg19) VCF-style: chr11-108115541-A-G.
Other names: c.689A>G, p.Asn230Ser (NM_001351834.2); short protein forms N230S.
Identifiers: ClinVar variation 232014 (VCV000232014.12), dbSNP rs876659494, ClinGen allele CA10578970.